The following is an entry in ClinVar:

ClinVar aggregate classification (germline): Likely benign (1 of 4 stars; one submission).

Submission:

CeGaT Center for Human Genetics Tuebingen
Classification: Likely benign. Last evaluated: 2026-04-01. Review status: criteria provided, single submitter. Criteria: CeGaT Center For Human Genetics Tuebingen Variant Classification Criteria Version 2. Collection method: clinical testing. Allele origin: germline. Affected: yes. Observed: 1 variant allele.
Comment: ABL1: BP4, BP7

NM_005157.6(ABL1):c.168T>C (p.Ala56=)

Gene: ABL1 (ABL proto-oncogene 1, non-receptor tyrosine kinase; plus strand). Cytogenetic location: 9q34.12.
Variant type: single nucleotide variant.
Coding change: c.168T>C on transcript NM_005157.6 (MANE Select); coding-DNA position 168, T replaced by C.
Protein change: p.Ala56=; no amino-acid change (alanine 56 retained).
Molecular consequence: synonymous variant.
Genome position (GRCh38, 1-based): chr9:130,854,152, T>C. VCF-style: chr9-130854152-T-C. GRCh37 (hg19) VCF-style: chr9-133729539-T-C.
Other names: c.225T>C, p.Ala75= (NM_007313.3).
Identifiers: ClinVar variation 4873991 (VCV004873991.2).